The following is an entry in ClinVar:

ClinVar aggregate classification (germline): Uncertain significance (1 of 4 stars; one submission).

Conditions:
Combined oxidative phosphorylation deficiency. Identifiers: MedGen C4540031, MONDO:0000732.
Charcot-Marie-Tooth Neuropathy X. Identifiers: MedGen CN118851.

Allele frequency attached by ClinVar (database versions not stated): gnomAD exomes below 0.00001.
gnomAD v4.1: 1 of 1,209,136 alleles (0.000083%); highest among the groups gnomAD compares: Non-Finnish European, 0.00011%; no homozygotes.

Submission:

Labcorp Genetics (formerly Invitae), Labcorp
Classification: Uncertain significance for Charcot-Marie-Tooth Neuropathy X; Combined oxidative phosphorylation deficiency. Last evaluated: 2018-07-19. Review status: criteria provided, single submitter. Criteria: Invitae Variant Classification Sherloc (09022015). Collection method: clinical testing. Allele origin: germline.
Comment: This variant is not present in population databases (ExAC no frequency). In summary, the available evidence is currently insufficient to determine the role of this variant in disease. Therefore, it has been classified as a Variant of Uncertain Significance. Algorithms developed to predict the effect of missense changes on protein structure and function are either unavailable or do not agree on the potential impact of this missense change (SIFT: "Deleterious"; PolyPhen-2: "Benign"; Align-GVGD: "Class C0"). This variant has not been reported in the literature in individuals with AIFM1-related disease. This sequence change replaces proline with arginine at codon 365 of the AIFM1 protein (p.Pro365Arg). The proline residue is moderately conserved and there is a moderate physicochemical difference between proline and arginine.

NM_004208.4(AIFM1):c.1094C>G (p.Pro365Arg)

Genes: AIFM1 (apoptosis inducing factor mitochondria associated 1; minus strand), RAB33A (RAB33A, member RAS oncogene family; plus strand). Cytogenetic location: Xq26.1.
Variant type: single nucleotide variant.
Coding change: c.1094C>G on transcript NM_004208.4 (MANE Select); coding-DNA position 1094, C replaced by G.
Protein change: p.Pro365Arg; replaces proline 365 with arginine.
Molecular consequence: missense variant. On other transcripts: 3 prime UTR variant (1), non-coding transcript variant (1).
Genome position (GRCh38, 1-based): chrX:130,136,713, G>C on the plus strand (C>G on the coding strand, the complement: AIFM1 is on the minus strand). VCF-style: chrX-130136713-G-C. GRCh37 (hg19) VCF-style: chrX-129270688-G-C.
Other names: c.77C>G, p.Pro26Arg (NM_001130846.4); c.*322C>G (NM_001130847.4); c.1082C>G, p.Pro361Arg (NM_145812.3); short protein forms P365R, P26R, P361R.
Identifiers: ClinVar variation 658217 (VCV000658217.8), dbSNP rs1242184469, ClinGen allele CA414578553.